The following is an entry in ClinVar:

NM_007315.4(STAT1):c.1178A>G (p.Glu393Gly)

Gene: STAT1 (signal transducer and activator of transcription 1; minus strand). Cytogenetic location: 2q32.2.
Variant type: single nucleotide variant.
Coding change: c.1178A>G on transcript NM_007315.4 (MANE Select); coding-DNA position 1178, A replaced by G.
Protein change: p.Glu393Gly; replaces glutamic acid 393 with glycine.
Molecular consequence: missense variant.
Genome position (GRCh38, 1-based): chr2:190,986,897, T>C on the plus strand (A>G on the coding strand, the complement: STAT1 is on the minus strand). VCF-style: chr2-190986897-T-C. GRCh37 (hg19) VCF-style: chr2-191851623-T-C.
Other names: c.1118A>G, p.Glu373Gly (NM_001384880.1); c.1184A>G, p.Glu395Gly (NM_001384881.1, NM_001384884.1); c.1172A>G, p.Glu391Gly (NM_001384882.1); c.1079A>G, p.Glu360Gly (NM_001384883.1); c.1019A>G, p.Glu340Gly (NM_001384885.1); c.1178A>G, p.Glu393Gly (NM_001384886.1, NM_001384889.1, NM_139266.3); c.1085A>G, p.Glu362Gly (NM_001384887.1); c.1148A>G, p.Glu383Gly (NM_001384888.1); and 2 more; short protein forms E340G, E360G, E362G, E363G, E373G, E383G, E391G, E393G.
Identifiers: ClinVar variation 3905760 (VCV003905760.10).

ClinVar aggregate classification (germline): Uncertain significance (1 of 4 stars; one submission).

Submission:

CeGaT Center for Human Genetics Tuebingen
Classification: Uncertain significance. Last evaluated: 2025-04-01. Review status: criteria provided, single submitter. Criteria: CeGaT Center For Human Genetics Tuebingen Variant Classification Criteria Version 2. Collection method: clinical testing. Allele origin: germline. Affected: yes. Observed: 1 variant allele.
Comment: STAT1: PM2, PP2, PP3